The following is an entry in ClinVar:

NM_004560.4(ROR2):c.1148A>G (p.Asn383Ser)

Gene: ROR2 (receptor tyrosine kinase like orphan receptor 2; minus strand). Cytogenetic location: 9q22.31.
Variant type: single nucleotide variant.
Coding change: c.1148A>G on transcript NM_004560.4 (MANE Select); coding-DNA position 1148, A replaced by G.
Protein change: p.Asn383Ser; replaces asparagine 383 with serine.
Molecular consequence: missense variant.
Genome position (GRCh38, 1-based): chr9:91,730,945, T>C on the plus strand (A>G on the coding strand, the complement: ROR2 is on the minus strand). VCF-style: chr9-91730945-T-C. GRCh37 (hg19) VCF-style: chr9-94493227-T-C.
Other names: c.1148A>G, p.Asn383Ser (NM_001318204.2); short protein forms N383S.
Identifiers: ClinVar variation 2823272 (VCV002823272.3), dbSNP rs2490165982, ClinGen allele CA373799927.
Genomic context (GRCh38, chr9:91,730,945, plus strand): 5'-AAAAAAAGAGAGAGAGAATACATACTACACGAGGGTACGTCACACAGTTCCATGCGTACG[T>C]TTTTATTCTGCGTAAAGCACCAGGGGCCCTCCATCTGGCCTCCGGGGTTCCGGCAGTAGG-3'
Protein context (NP_004551.2, residues 373-393): EGPWCFTQNK[Asn383Ser]VRMELCDVPS

ClinVar aggregate classification (germline): Uncertain significance (1 of 4 stars; one submission).

Submission:

Labcorp Genetics (formerly Invitae), Labcorp
Classification: Uncertain significance. Last evaluated: 2023-01-08. Review status: criteria provided, single submitter. Criteria: Invitae Variant Classification Sherloc (09022015). Collection method: clinical testing. Allele origin: germline.
Comment: In summary, the available evidence is currently insufficient to determine the role of this variant in disease. Therefore, it has been classified as a Variant of Uncertain Significance. Algorithms developed to predict the effect of sequence changes on RNA splicing suggest that this variant may disrupt the consensus splice site. Advanced modeling of protein sequence and biophysical properties (such as structural, functional, and spatial information, amino acid conservation, physicochemical variation, residue mobility, and thermodynamic stability) performed at Invitae indicates that this missense variant is not expected to disrupt ROR2 protein function. This variant has not been reported in the literature in individuals affected with ROR2-related conditions. This variant is not present in population databases (gnomAD no frequency). This sequence change replaces asparagine, which is neutral and polar, with serine, which is neutral and polar, at codon 383 of the ROR2 protein (p.Asn383Ser).